The following is an entry in ClinVar:

ClinVar aggregate classification (germline): Uncertain significance. Review status: criteria provided, multiple submitters, no conflicts (2 of 4 stars). 2 submissions from 2 submitters: Uncertain significance (2). Last evaluated 2025-08-06.

Conditions:
ARL6-related disorder. Also called: ARL6-related condition.
Inborn genetic diseases. Identifiers: MedGen C0950123, MeSH D030342.

gnomAD v4.1: 2 of 1,613,688 alleles (0.00012%); highest among the groups gnomAD compares: Non-Finnish European, 0.00017%; no homozygotes.

Submissions (2):

Ambry Genetics
Classification: Uncertain significance for Inborn genetic diseases. Last evaluated: 2025-08-06. Review status: criteria provided, single submitter. Criteria: Ambry Variant Classification Scheme 2023. Collection method: clinical testing. Allele origin: germline.

PreventionGenetics, part of Exact Sciences
Classification: Uncertain significance for ARL6-related condition. Last evaluated: 2025-01-14. Review status: criteria provided, single submitter. Criteria: ACMG Guidelines, 2015. Collection method: clinical testing. Allele origin: germline.
Comment: The ARL6 c.520G>A variant is predicted to result in the amino acid substitution p.Val174Ile. To our knowledge, this variant has not been reported in the literature. This variant is reported in 0.0046% of alleles in individuals of European (Finnish) descent in gnomAD. At this time, the clinical significance of this variant is uncertain due to the absence of conclusive functional and genetic evidence.

NM_001278293.3(ARL6):c.520G>A (p.Val174Ile)

Gene: ARL6 (ARF like GTPase 6; plus strand). Cytogenetic location: 3q11.2.
Variant type: single nucleotide variant.
Coding change: c.520G>A on transcript NM_001278293.3 (MANE Select); coding-DNA position 520, G replaced by A.
Protein change: p.Val174Ile; replaces valine 174 with isoleucine.
Molecular consequence: missense variant. On other transcripts: intron variant (1), non-coding transcript variant (6).
Genome position (GRCh38, 1-based): chr3:97,791,811, G>A. VCF-style: chr3-97791811-G-A. GRCh37 (hg19) VCF-style: chr3-97510655-G-A.
Other names: c.479+3692G>A (NM_001323514.2); c.520G>A, p.Val174Ile (NM_001323513.2, NM_032146.5, NM_177976.3); short protein forms V174I.
Identifiers: ClinVar variation 4145986 (VCV004145986.2).
Genomic context (GRCh38, chr3:97,791,811, plus strand): 5'-TCTTATGGATTTCATTTCAGTGCTAGTGATGCCATAAAAGGAGAAGGCTTGCAAGAAGGT[G>A]TAGACTGGCTTCAAGGTACATTACAAAATACTGTGTGTCTTCAGCCTTTGTTTCCTTTTT-3'
Protein context (NP_001265222.1, residues 164-184): AIKGEGLQEG[Val174Ile]DWLQDQIQTV